The following is an entry in ClinVar:

ClinVar aggregate classification (germline): Uncertain significance (1 of 4 stars; one submission).

Conditions:
Gastrointestinal stromal tumor. Also called: Gastrointestinal stromal tumor, somatic; Gastrointestinal stroma tumor. Identifiers: Orphanet 44890, MedGen C0238198, MeSH D046152, MONDO:0011719, OMIM 606764, HP:0100723.

Submission:

Labcorp Genetics (formerly Invitae), Labcorp
Classification: Uncertain significance for Gastrointestinal stromal tumor. Last evaluated: 2025-04-02. Review status: criteria provided, single submitter. Criteria: Invitae Variant Classification Sherloc (09022015). Collection method: clinical testing. Allele origin: germline.
Comment: This sequence change creates a premature translational stop signal (p.Glu563*) in the PDGFRA gene. It is expected to result in an absent or disrupted protein product. However, the current clinical and genetic evidence is not sufficient to establish whether loss-of-function variants in PDGFRA cause disease. This variant is not present in population databases (gnomAD no frequency). This variant has not been reported in the literature in individuals affected with PDGFRA-related conditions. Algorithms developed to predict the effect of sequence changes on RNA splicing suggest that this variant may disrupt the consensus splice site. In summary, the available evidence is currently insufficient to determine the role of this variant in disease. Therefore, it has been classified as a Variant of Uncertain Significance.

NM_006206.6(PDGFRA):c.1687G>T (p.Glu563Ter)

Gene: PDGFRA (platelet derived growth factor receptor alpha; plus strand). Cytogenetic location: 4q12.
Variant type: single nucleotide variant.
Coding change: c.1687G>T on transcript NM_006206.6 (MANE Select); coding-DNA position 1687, G replaced by T.
Protein change: p.Glu563Ter; replaces glutamic acid 563 with a stop codon.
Molecular consequence: nonsense.
Genome position (GRCh38, 1-based): chr4:54,274,874, G>T. VCF-style: chr4-54274874-G-T. GRCh37 (hg19) VCF-style: chr4-55141041-G-T.
Other names: c.1687G>T, p.Glu563Ter (NM_001347827.2, NM_001347829.2); c.1762G>T, p.Glu588Ter (NM_001347828.2); c.1726G>T, p.Glu576Ter (NM_001347830.2); short protein forms E563*, E576*, E588*.
Identifiers: ClinVar variation 4716549 (VCV004716549.1).